The following is an entry in ClinVar:

ClinVar aggregate classification (germline): Uncertain significance. Review status: criteria provided, multiple submitters, no conflicts (2 of 4 stars). 2 submissions from 2 submitters: Uncertain significance (2). Last evaluated 2024-05-21.

Conditions:
Leber congenital amaurosis 2 (LCA2). Also called: AMAUROSIS CONGENITA OF LEBER II; Autosomal Recessive RPE65-Related Retinal Degeneration. Identifiers: Orphanet 65, MedGen C1859844, MONDO:0008765, OMIM 204100. Disease mechanism: loss of function.
Retinitis pigmentosa 20 (RP20). Identifiers: Orphanet 791, MedGen C3151086, MONDO:0013425, OMIM 613794.

Allele frequency attached by ClinVar (database versions not stated): ExAC 0.00001.

Submissions (2):

Blueprint Genetics
Classification: Uncertain significance. Last evaluated: 2024-05-21. Review status: criteria provided, single submitter. Criteria: ACMG Guidelines, 2015. Collection method: clinical testing. Allele origin: germline.

Labcorp Genetics (formerly Invitae), Labcorp
Classification: Uncertain significance for Leber congenital amaurosis 2; Retinitis pigmentosa 20. Last evaluated: 2022-05-24. Review status: criteria provided, single submitter. Criteria: Invitae Variant Classification Sherloc (09022015). Collection method: clinical testing. Allele origin: germline.
Comment: This sequence change replaces leucine, which is neutral and non-polar, with proline, which is neutral and non-polar, at codon 261 of the RPE65 protein (p.Leu261Pro). This variant is present in population databases (rs768864571, gnomAD 0.003%). This variant has not been reported in the literature in individuals affected with RPE65-related conditions. Algorithms developed to predict the effect of missense changes on protein structure and function (SIFT, PolyPhen-2, Align-GVGD) all suggest that this variant is likely to be disruptive. In summary, the available evidence is currently insufficient to determine the role of this variant in disease. Therefore, it has been classified as a Variant of Uncertain Significance.

NM_000329.3(RPE65):c.782T>C (p.Leu261Pro)

Gene: RPE65 (retinoid isomerohydrolase RPE65; minus strand). Cytogenetic location: 1p31.3.
Variant type: single nucleotide variant.
Coding change: c.782T>C on transcript NM_000329.3 (MANE Select); coding-DNA position 782, T replaced by C.
Protein change: p.Leu261Pro; replaces leucine 261 with proline.
Molecular consequence: missense variant.
Genome position (GRCh38, 1-based): chr1:68,439,267, A>G on the plus strand (T>C on the coding strand, the complement: RPE65 is on the minus strand). VCF-style: chr1-68439267-A-G. GRCh37 (hg19) VCF-style: chr1-68904950-A-G.
Other names: c.674T>C, p.Leu225Pro (NM_001406853.1); c.506T>C, p.Leu169Pro (NM_001406856.1, NM_001406857.1); c.782T>C, p.Leu261Pro (NM_001406859.1); short protein forms L225P, L169P, L261P.
Identifiers: ClinVar variation 1934277 (VCV001934277.3), dbSNP rs768864571, ClinGen allele CA902397.